The following is an entry in ClinVar:

ClinVar aggregate classification (germline): Uncertain significance. Review status: criteria provided, single submitter (1 of 4 stars). 2 submissions from 2 submitters: Uncertain significance (1). 1 of the submissions does not count toward it. Last evaluated 2024-09-12.

Conditions:
CDKL5 disorder. Identifiers: MedGen CN296942, MONDO:0100039.
Atypical Rett syndrome. Also called: Rett like syndrome; Variant Rett Syndrome. Identifiers: Orphanet 3095, MedGen C2748910, MONDO:0017746.

Submissions (2):

Centre for Population Genomics, CPG
Classification: Uncertain significance for CDKL5 disorder. Last evaluated: 2024-09-12. Review status: criteria provided, single submitter. Criteria: McKnight et al. (Hum Mutat. 2022). Collection method: curation. Allele origin: germline. Inheritance: X-linked inheritance.
Comment: This variant has been collected from RettBASE and curated to current modified ACMG/AMP criteria. Based on the classification scheme defined by the ClinGen Rett/Angelman-like Expert Panel for Rett/AS-like Disorders Specifications to the ACMG/AMP Variant Interpretation Guidelines VCEP 3.0, this variant is classified as a variant of uncertain significance. At least the following criteria are met: This variant is absent from gnomAD (PM2_Supporting).

RettBASE
Classification: Uncertain significance for Atypical Rett syndrome. Last evaluated: 2014-05-15. Review status: no assertion criteria provided. Collection method: curation. Allele origin: de novo. Affected: yes. Observed: 1 variant allele. Not counted in ClinVar's aggregate classification.
Comment: De novo mutation, but similar sidechains; in silico predictions: SIFT = tolerated, MutationTaster = polymorphism, PolyPhen2 = benign, AlignGVGD = benign (C0)

NM_001323289.2(CDKL5):c.1266C>A (p.Asp422Glu)

Gene: CDKL5 (cyclin dependent kinase like 5; plus strand). Cytogenetic location: Xp22.13.
Variant type: single nucleotide variant.
Coding change: c.1266C>A on transcript NM_001323289.2 (MANE Select); coding-DNA position 1266, C replaced by A.
Protein change: p.Asp422Glu; replaces aspartic acid 422 with glutamic acid.
Molecular consequence: missense variant.
Genome position (GRCh38, 1-based): chrX:18,604,190, C>A. VCF-style: chrX-18604190-C-A. GRCh37 (hg19) VCF-style: chrX-18622310-C-A.
Other names: NM_001323289.2(CDKL5):c.1266C>A; p.Asp422Glu; c.1266C>A, p.Asp422Glu (NM_001037343.2, NM_003159.3); short protein forms D422E.
Identifiers: ClinVar variation 189601 (VCV000189601.3), dbSNP rs762708691, ClinGen allele CA199421.